The following is an entry in ClinVar:

NM_000051.4(ATM):c.6348-1G>C

Genes: ATM (ATM serine/threonine kinase; plus strand), C11orf65 (chromosome 11 open reading frame 65; minus strand). Cytogenetic location: 11q22.3.
Variant type: single nucleotide variant.
Coding change: c.6348-1G>C on transcript NM_000051.4 (MANE Select); the canonical splice acceptor site of the intron before coding-DNA position 6348, G replaced by C.
Molecular consequence: splice acceptor variant. On other transcripts: intron variant (2).
Genome position (GRCh38, 1-based): chr11:108,319,953, G>C. VCF-style: chr11-108319953-G-C. GRCh37 (hg19) VCF-style: chr11-108190680-G-C.
Other names: c.6348-1G>C (NM_001351834.2); c.641-10882C>G (NM_001330368.2); c.*39-10882C>G (NM_001351110.2).
Identifiers: ClinVar variation 826338 (VCV000826338.12), dbSNP rs1057517302, ClinGen allele CA382553120.
Genomic context (GRCh38, chr11:108,319,953, plus strand): 5'-ATACATGTATATCTTAGGGTTCTGTTTTTAAGTATATTTTTTTCTTTGACTTATCTCACA[G>C]CAAAGAAGTAGAAGGAACCAGTTACCATGAATCATTGTACAATGCTCTACAATCTCTAAG-3'

ClinVar aggregate classification (germline): Likely pathogenic. Review status: criteria provided, multiple submitters, no conflicts (2 of 4 stars). 3 submissions from 3 submitters: Likely pathogenic (3). Last evaluated 2024-01-29.

Conditions:
Familial cancer of breast. Also called: Hereditary breast cancer; BREAST CANCER, FAMILIAL; hereditary breast carcinoma. Identifiers: Orphanet 227535, MedGen C0346153, MONDO:0016419, OMIM 114480. Disease mechanism: loss of function.
Hereditary cancer-predisposing syndrome. Also called: Tumor predisposition; Neoplastic Syndromes, Hereditary; Hereditary Cancer Syndrome; Hereditary neoplastic syndrome. Identifiers: Orphanet 140162, MedGen C0027672, MeSH D009386, MONDO:0015356.
Ataxia-telangiectasia syndrome (AT). Also called: ATAXIA-TELANGIECTASIA, COMPLEMENTATION GROUP A; ATAXIA-TELANGIECTASIA, FRESNO VARIANT; Ataxia-telangiectasia; Ataxia-telangiectasia, complementation group D; AT, COMPLEMENTATION GROUP C; Ataxia-telangiectasia, complementation group E. Identifiers: Orphanet 100, MedGen C0004135, MONDO:0008840, OMIM 208900.

gnomAD v4.1: 1 of 1,602,604 alleles (0.000062%); no homozygotes.

Submissions (3):

Myriad Genetics, Inc.
Classification: Likely pathogenic for Familial cancer of breast. Last evaluated: 2024-01-29. Review status: criteria provided, single submitter. Criteria: Myriad Autosomal Dominant, Autosomal Recessive and X-Linked Classification Criteria (2023). Collection method: clinical testing. Allele origin: unknown.
Comment: This variant is considered likely pathogenic. This variant occurs within a consensus splice junction and is predicted to result in abnormal mRNA splicing of either an out-of-frame exon or an in-frame exon necessary for protein stability and/or normal function.

Labcorp Genetics (formerly Invitae), Labcorp
Classification: Likely pathogenic for Ataxia-telangiectasia syndrome. Last evaluated: 2021-03-28. Review status: criteria provided, single submitter. Criteria: Invitae Variant Classification Sherloc (09022015). Collection method: clinical testing. Allele origin: germline.
Comment: This variant is not present in population databases (ExAC no frequency). This sequence change affects an acceptor splice site in intron 43 of the ATM gene. It is expected to disrupt RNA splicing. Variants that disrupt the donor or acceptor splice site typically lead to a loss of protein function (PMID: 16199547), and loss-of-function variants in ATM are known to be pathogenic (PMID: 23807571, 25614872). In summary, the currently available evidence indicates that the variant is pathogenic, but additional data are needed to prove that conclusively. Therefore, this variant has been classified as Likely Pathogenic. Algorithms developed to predict the effect of sequence changes on RNA splicing suggest that this variant may disrupt the consensus splice site, but this prediction has not been confirmed by published transcriptional studies. This variant has not been reported in the literature in individuals with ATM-related conditions. ClinVar contains an entry for this variant (Variation ID: 826338).

Ambry Genetics
Classification: Likely pathogenic for Hereditary cancer-predisposing syndrome. Last evaluated: 2018-05-09. Review status: criteria provided, single submitter. Criteria: Ambry Variant Classification Scheme 2023. Collection method: clinical testing. Allele origin: germline.
Comment: The c.6348-1G>C intronic variant results from a G to C substitution one nucleotide upstream from coding exon 43 of the ATM gene. This nucleotide position is well conserved in available vertebrate species. Using the BDGP and ESEfinder splice site prediction tools, this alteration is predicted to abolish the native splice acceptor site; however, direct evidence is unavailable. Alterations that disrupt the canonical splice site are expected to cause aberrant splicing, resulting in an abnormal protein or a transcript that is subject to nonsense-mediated mRNA decay. As such, this alteration is classified as likely pathogenic.

Literature cited by the submitters: PubMed 16199547 (cited by Labcorp Genetics (formerly Invitae), Labcorp); PubMed 23807571 (cited by Labcorp Genetics (formerly Invitae), Labcorp); PubMed 25614872 (cited by Labcorp Genetics (formerly Invitae), Labcorp).